The following is an entry in ClinVar:

NM_014874.4(MFN2):c.176-200G>T

Gene: MFN2 (mitofusin 2; plus strand). Cytogenetic location: 1p36.22.
Variant type: single nucleotide variant.
Coding change: c.176-200G>T on transcript NM_014874.4 (MANE Select); 200 bases into the intron before coding-DNA position 176, G replaced by T.
Molecular consequence: intron variant.
Genome position (GRCh38, 1-based): chr1:11,992,355, G>T. VCF-style: chr1-11992355-G-T. GRCh37 (hg19) VCF-style: chr1-12052412-G-T.
Other names: c.176-200G>T (NM_001127660.2).
Identifiers: ClinVar variation 679033 (VCV000679033.1), dbSNP rs116722569, ClinGen allele CA18038328.

ClinVar aggregate classification (germline): Likely benign (1 of 4 stars; one submission).

Allele frequency attached by ClinVar (database versions not stated): gnomAD exomes 0.00102; gnomAD 0.00844; TOPMed 0.00917; 1000 Genomes Project 0.01138; 1000 Genomes Project 30x 0.01202.
gnomAD v4.1: 1,813 of 653,304 alleles (0.28%); highest among the groups gnomAD compares: African/African-American, 2.9%; 19 homozygotes.

Submission:

GeneDx
Classification: Likely benign. Last evaluated: 2018-06-16. Review status: criteria provided, single submitter. Criteria: GeneDx Variant Classification (06012015). Collection method: clinical testing. Allele origin: germline. Affected: yes.
Comment: This variant is considered likely benign or benign based on one or more of the following criteria: it is a conservative change, it occurs at a poorly conserved position in the protein, it is predicted to be benign by multiple in silico algorithms, and/or has population frequency not consistent with disease.